The following is an entry in ClinVar:

NM_000111.3(SLC26A3):c.985A>G (p.Ile329Val)

Gene: SLC26A3 (solute carrier family 26 member 3; minus strand). Cytogenetic location: 7q22.3.
Variant type: single nucleotide variant.
Coding change: c.985A>G on transcript NM_000111.3 (MANE Select); coding-DNA position 985, A replaced by G.
Protein change: p.Ile329Val; replaces isoleucine 329 with valine.
Molecular consequence: missense variant.
Genome position (GRCh38, 1-based): chr7:107,783,339, T>C on the plus strand (A>G on the coding strand, the complement: SLC26A3 is on the minus strand). VCF-style: chr7-107783339-T-C. GRCh37 (hg19) VCF-style: chr7-107423784-T-C.
Other names: short protein forms I329V.
Identifiers: ClinVar variation 2171360 (VCV002171360.1), dbSNP rs369516311, ClinGen allele CA4433965.

ClinVar aggregate classification (germline): Uncertain significance (1 of 4 stars; one submission).

Allele frequency attached by ClinVar (database versions not stated): gnomAD 0.00001; gnomAD exomes 0.00001; TOPMed 0.00001; ExAC 0.00002; ESP Exome Variant Server 0.00008.
gnomAD v4.1: 21 of 1,614,010 alleles (0.0013%); highest among the groups gnomAD compares: Middle Eastern, 0.016%; no homozygotes.

Submission:

Labcorp Genetics (formerly Invitae), Labcorp
Classification: Uncertain significance. Last evaluated: 2022-06-01. Review status: criteria provided, single submitter. Criteria: Invitae Variant Classification Sherloc (09022015). Collection method: clinical testing. Allele origin: germline.
Comment: This sequence change replaces isoleucine, which is neutral and non-polar, with valine, which is neutral and non-polar, at codon 329 of the SLC26A3 protein (p.Ile329Val). This variant is present in population databases (rs369516311, gnomAD 0.004%). This variant has not been reported in the literature in individuals affected with SLC26A3-related conditions. Advanced modeling of protein sequence and biophysical properties (such as structural, functional, and spatial information, amino acid conservation, physicochemical variation, residue mobility, and thermodynamic stability) performed at Invitae indicates that this missense variant is not expected to disrupt SLC26A3 protein function. In summary, the available evidence is currently insufficient to determine the role of this variant in disease. Therefore, it has been classified as a Variant of Uncertain Significance.